The following is an entry in ClinVar:

ClinVar aggregate classification (germline): Pathogenic/Likely pathogenic. Review status: criteria provided, multiple submitters, no conflicts (2 of 4 stars). 2 submissions from 2 submitters: Pathogenic (1); Likely pathogenic (1). Last evaluated 2025-08-19.

Conditions:
Stromme syndrome (STROMS). Also called: APPLE PEEL SYNDROME WITH MICROCEPHALY AND OCULAR ANOMALIES; Strømme Syndrome; Ciliary dyskinesia, primary, 31. Identifiers: Orphanet 444069, Orphanet 506307, MedGen C1855705, MONDO:0009477, OMIM 243605.

Allele frequency attached by ClinVar (database versions not stated): gnomAD exomes 0.00001; TOPMed 0.00002.

Submissions (2):

Dasa
Classification: Likely pathogenic for Stromme syndrome. Last evaluated: 2025-08-19. Review status: criteria provided, single submitter. Criteria: DASA Assertion Criteria. Collection method: clinical testing. Allele origin: germline.
Comment: NM_016343.4(CENPF):c.756dup (p.Thr253Aspfs*15) is a frameshift variant in CENPF predicted to alter the reading frame and introduce a premature termination codon and is predicted to result in an absent or altered protein product. Loss of function is an established disease mechanism for CENPF-associated disorders. Also, this variant is rare in population databases. Based on the currently available evidence, this variant is classified as likely pathogenic.

Labcorp Genetics (formerly Invitae), Labcorp
Classification: Pathogenic. Last evaluated: 2023-07-06. Review status: criteria provided, single submitter. Criteria: Invitae Variant Classification Sherloc (09022015). Collection method: clinical testing. Allele origin: germline.
Comment: For these reasons, this variant has been classified as Pathogenic. Algorithms developed to predict the effect of sequence changes on RNA splicing suggest that this variant may disrupt the consensus splice site. This variant has not been reported in the literature in individuals affected with CENPF-related conditions. This variant is present in population databases (no rsID available, gnomAD 0.009%). This sequence change creates a premature translational stop signal (p.Thr253Aspfs*15) in the CENPF gene. It is expected to result in an absent or disrupted protein product. Loss-of-function variants in CENPF are known to be pathogenic (PMID: 25564561, 26820108).

Literature cited by the submitters: PubMed 25564561 (cited by Labcorp Genetics (formerly Invitae), Labcorp); PubMed 26820108 (cited by Labcorp Genetics (formerly Invitae), Labcorp).

NM_016343.4(CENPF):c.756dup (p.Thr253fs)

Gene: CENPF (centromere protein F; plus strand). Cytogenetic location: 1q41.
Variant type: Duplication.
Coding change: c.756dup on transcript NM_016343.4 (MANE Select); coding-DNA position 756, one base duplicated (G; older notation c.756dupG).
Protein change: p.Thr253fs; shifts the reading frame from threonine 253.
Molecular consequence: frameshift variant.
Genome position (GRCh38, 1-based): chr1:214,620,837, G duplicated. VCF-style (leftmost placement, unchanged base first): chr1-214620836-T-TG. GRCh37 (hg19) VCF-style: chr1-214794179-T-TG.
Other names: short protein forms T253fs.
Identifiers: ClinVar variation 2880268 (VCV002880268.5), dbSNP rs1277223368, ClinGen allele CA529001732.
Genomic context (GRCh38, chr1:214,620,836, plus strand): 5'-CTCAAAGAACTCCAATTAGGAGAGATTTCTCTGCATCTTACTTTTCTGGGGAACAAGAGG[T>TG]GACTCCAAGTCGATCAACTTTGCAAATAGGGAAAAGAGATGCTAATAGCAGTTTCTTTGA-3'